The following is an entry in ClinVar:

NM_001354604.2(MITF):c.532C>G (p.Pro178Ala)

Gene: MITF (melanocyte inducing transcription factor; plus strand). Cytogenetic location: 3p13.
Variant type: single nucleotide variant.
Coding change: c.532C>G on transcript NM_001354604.2 (MANE Select); coding-DNA position 532, C replaced by G.
Protein change: p.Pro178Ala; replaces proline 178 with alanine.
Molecular consequence: missense variant. On other transcripts: intron variant (1).
Genome position (GRCh38, 1-based): chr3:69,937,999, C>G. VCF-style: chr3-69937999-C-G. GRCh37 (hg19) VCF-style: chr3-69987150-C-G.
Other names: c.481C>G, p.Pro161Ala (NM_001354607.2); c.376C>G, p.Pro126Ala (NM_001354608.2, NM_001184967.2); c.529C>G, p.Pro177Ala (NM_006722.3, NM_001354605.2, NM_001354606.2); c.211C>G, p.Pro71Ala (NM_198158.3, NM_000248.4, NM_001184968.2); c.532C>G, p.Pro178Ala (NM_198159.3); c.484C>G, p.Pro162Ala (NM_198177.3); c.93+118C>G (NM_198178.3); short protein forms P126A, P161A, P177A, P178A, P71A, P162A.
Identifiers: ClinVar variation 4793814 (VCV004793814.1).

ClinVar aggregate classification (germline): Uncertain significance (1 of 4 stars; one submission).

Conditions:
Tietz syndrome (TADS). Also called: TIETZ ALBINISM-DEAFNESS SYNDROME; HYPOPIGMENTATION/DEAFNESS OF TIETZ; ALBINISM-DEAFNESS OF TIETZ. Identifiers: Orphanet 42665, MedGen C0391816, MONDO:0007077, OMIM 103500.
Melanoma, cutaneous malignant, susceptibility to, 8. Also called: MELANOMA AND RENAL CELL CARCINOMA, SUSCEPTIBILITY TO; Cutaneous malignant melanoma 8. Identifiers: Orphanet 293822, MedGen C3152204, MONDO:0013759, OMIM 614456.
Waardenburg syndrome type 2A (WS2A). Also called: WAARDENBURG SYNDROME WITHOUT DYSTOPIA CANTHORUM. Identifiers: Orphanet 3440, MedGen C1860339, MONDO:0008671, OMIM 193510.

Submission:

Labcorp Genetics (formerly Invitae), Labcorp
Classification: Uncertain significance for Melanoma, cutaneous malignant, susceptibility to, 8; Waardenburg syndrome type 2A; Tietz syndrome. Last evaluated: 2025-02-26. Review status: criteria provided, single submitter. Criteria: Invitae Variant Classification Sherloc (09022015). Collection method: clinical testing. Allele origin: germline.
Comment: This sequence change replaces proline, which is neutral and non-polar, with alanine, which is neutral and non-polar, at codon 71 of the MITF protein (p.Pro71Ala). This variant is not present in population databases (gnomAD no frequency). This variant has not been reported in the literature in individuals affected with MITF-related conditions. Invitae Evidence Modeling of protein sequence and biophysical properties (such as structural, functional, and spatial information, amino acid conservation, physicochemical variation, residue mobility, and thermodynamic stability) has been performed for this missense variant. However, the output from this modeling did not meet the statistical confidence thresholds required to predict the impact of this variant on MITF protein function. In summary, the available evidence is currently insufficient to determine the role of this variant in disease. Therefore, it has been classified as a Variant of Uncertain Significance.